The following is an entry in ClinVar:

ClinVar aggregate classification (germline): Pathogenic. Review status: criteria provided, multiple submitters, no conflicts (2 of 4 stars). 5 submissions from 5 submitters: Pathogenic (5). Last evaluated 2025-09-14.

Conditions:
Joubert syndrome. Also called: JOUBERT-BOLTSHAUSER SYNDROME; Familial aplasia of the vermis. Identifiers: Orphanet 475, MedGen C5979921, MONDO:0018772.
COACH syndrome 3. Identifiers: MedGen C5436841, MONDO:0030862, OMIM 619113.
Joubert syndrome 7 (JBTS7). Identifiers: Orphanet 220497, MedGen C1969053, MONDO:0012694, OMIM 611560.
Meckel syndrome, type 5 (MKS5). Identifiers: Orphanet 564, MedGen C1969052, MONDO:0012695, OMIM 611561.
RPGRIP1L-related disorder. Also called: RPGRIP1L-related disorders; RPGRIP1L-related condition. Identifiers: MedGen CN239416.
Meckel-Gruber syndrome. Also called: DYSENCEPHALIA SPLANCHNOCYSTICA; GRUBER SYNDROME; Dysencephalia splachnocystica. Identifiers: Orphanet 564, MedGen C0265215, MONDO:0018921.

Allele frequency attached by ClinVar (database versions not stated): gnomAD exomes 0.00001; ExAC 0.00002.
gnomAD v4.1: 16 of 1,614,062 alleles (0.00099%); highest among the groups gnomAD compares: South Asian, 0.0044%; no homozygotes.

Submissions (6):

Labcorp Genetics (formerly Invitae), Labcorp
Classification: Pathogenic for Joubert syndrome; Meckel-Gruber syndrome. Last evaluated: 2025-09-14. Review status: criteria provided, single submitter. Criteria: Invitae Variant Classification Sherloc (09022015). Collection method: clinical testing. Allele origin: germline.
Comment: This sequence change creates a premature translational stop signal (p.Arg649*) in the RPGRIP1L gene. It is expected to result in an absent or disrupted protein product. Loss-of-function variants in RPGRIP1L are known to be pathogenic (PMID: 17558409). This variant is present in population databases (rs751477523, gnomAD 0.003%). This premature translational stop signal has been observed in individual(s) with Meckel-Gruber syndrome (PMID: 23351400). ClinVar contains an entry for this variant (Variation ID: 651948). For these reasons, this variant has been classified as Pathogenic.

Natera, Inc.
Classification: Pathogenic for Joubert syndrome. Last evaluated: 2025-08-01. Review status: criteria provided, single submitter. Criteria: Natera Variant Classification Schema (03/2026). Collection method: clinical testing. Allele origin: germline.
Comment: The c.1945C>T variant in RPGRIP1L is a nonsense variant predicted to introduce a stop codon at amino acid 649. This variant is expected to result in nonsense mediated decay, truncation, or a dysfunctional protein product. This variant is rare in the general population with a frequency below the threshold expected for the associated phenotype(s). This variant has been observed in one or more individuals affected with the associated recessive disease, as either homozygous or compound heterozygous with a second variant (PMID: 23351400). Given the available evidence, this variant is classified as Pathogenic.

First Genomix Gene Laboratory, Genetic Diagnostics Department
Classification: Pathogenic for COACH syndrome 3; Joubert syndrome 7; Meckel syndrome, type 5. Last evaluated: 2025-01-16. Review status: criteria provided, single submitter. Criteria: ACMG Guidelines, 2015. Collection method: clinical testing. Allele origin: germline. Inheritance: Autosomal recessive inheritance. Affected: no. Observed: 1 variant allele.

Blueprint Genetics
Classification: Pathogenic for RPGRIP1L-related disorders. Last evaluated: 2021-11-17. Review status: criteria provided, single submitter. Criteria: ACMG Guidelines, 2015. Collection method: clinical testing. Allele origin: germline. Affected: yes. Observed: 5 variant alleles.

Genetics and Genomic Medicine Centre, NeuroGen Healthcare, NeuroGen Healthcare
Classification: Pathogenic for Joubert syndrome 7. Last evaluated: 2020-10-12. Review status: criteria provided, single submitter. Criteria: Submitter's publication. Collection method: clinical testing. Allele origin: unknown. Affected: no.

Dr. Peter K. Rogan Lab, Western University
No classification provided (evidence only). Condition: Uterine corpus endometrial carcinoma. Review status: no classification provided. Collection method: in vitro. Allele origin: not applicable. Functional consequence: retained intron. Not counted in ClinVar's aggregate classification.

Literature cited by the submitters: PubMed 17558409 (cited by Labcorp Genetics (formerly Invitae), Labcorp); PubMed 23351400 (cited by Labcorp Genetics (formerly Invitae), Labcorp and Natera, Inc.).

NM_015272.5(RPGRIP1L):c.1945C>T (p.Arg649Ter)

Gene: RPGRIP1L (RPGRIP1 like; minus strand). Cytogenetic location: 16q12.2.
Variant type: single nucleotide variant.
Coding change: c.1945C>T on transcript NM_015272.5 (MANE Select); coding-DNA position 1945, C replaced by T.
Protein change: p.Arg649Ter; replaces arginine 649 with a stop codon.
Molecular consequence: nonsense.
Genome position (GRCh38, 1-based): chr16:53,652,742, G>A on the plus strand (C>T on the coding strand, the complement: RPGRIP1L is on the minus strand). VCF-style: chr16-53652742-G-A. GRCh37 (hg19) VCF-style: chr16-53686654-G-A.
Other names: c.1945C>T, p.Arg649Ter (NM_001127897.4, NM_001308334.3, NM_001330538.2); c.1945C>T (NM_015272.4); short protein forms R649*.
Identifiers: ClinVar variation 651948 (VCV000651948.14), dbSNP rs751477523, ClinGen allele CA8057670.
Genomic context (GRCh38, chr16:53,652,742, plus strand): 5'-ATAAGTCATTAACATGAACAAGATATTGAGAAGTGAAGTTATATTCGGGATGAAGGCCTC[G>A]CACTACGGGAGTTGTCTGTAGTTCAAAATCATAGAAAGCATAGGTACAGAAAGTGACAGG-3'